The following is an entry in ClinVar:

NM_001370259.2(MEN1):c.17C>T (p.Ala6Val)

Gene: MEN1 (menin 1; minus strand). Cytogenetic location: 11q13.1.
Variant type: single nucleotide variant.
Coding change: c.17C>T on transcript NM_001370259.2 (MANE Select); coding-DNA position 17, C replaced by T.
Protein change: p.Ala6Val; replaces alanine 6 with valine.
Molecular consequence: missense variant.
Genome position (GRCh38, 1-based): chr11:64,810,093, G>A on the plus strand (C>T on the coding strand, the complement: MEN1 is on the minus strand). VCF-style: chr11-64810093-G-A. GRCh37 (hg19) VCF-style: chr11-64577565-G-A.
Other names: c.17C>T, p.Ala6Val (NM_000244.4, NM_001370251.2, NM_001370260.2 and 20 more transcripts); short protein forms A6V.
Identifiers: ClinVar variation 2183535 (VCV002183535.4), dbSNP rs2136196726, ClinGen allele CA381188303.

ClinVar aggregate classification (germline): Uncertain significance (1 of 4 stars; one submission).

Conditions:
Multiple endocrine neoplasia, type 1 (MEN1). Also called: MEN I; WERMER SYNDROME; Endocrine adenomatosis multiple; MEN 1; MEA I. Identifiers: Orphanet 652, MedGen C0025267, MeSH D018761, MONDO:0007540, OMIM 131100.

Submission:

Labcorp Genetics (formerly Invitae), Labcorp
Classification: Uncertain significance for Multiple endocrine neoplasia, type 1. Last evaluated: 2022-08-09. Review status: criteria provided, single submitter. Criteria: Invitae Variant Classification Sherloc (09022015). Collection method: clinical testing. Allele origin: germline.
Comment: In summary, the available evidence is currently insufficient to determine the role of this variant in disease. Therefore, it has been classified as a Variant of Uncertain Significance. This variant is not present in population databases (gnomAD no frequency). This variant has not been reported in the literature in individuals affected with MEN1-related conditions. Advanced modeling of protein sequence and biophysical properties (such as structural, functional, and spatial information, amino acid conservation, physicochemical variation, residue mobility, and thermodynamic stability) performed at Invitae indicates that this missense variant is not expected to disrupt MEN1 protein function. This sequence change replaces alanine, which is neutral and non-polar, with valine, which is neutral and non-polar, at codon 6 of the MEN1 protein (p.Ala6Val).